The following is an entry in ClinVar:

NM_000142.5(FGFR3):c.805A>G (p.Ser269Gly)

Gene: FGFR3 (fibroblast growth factor receptor 3; plus strand). Cytogenetic location: 4p16.3.
Variant type: single nucleotide variant.
Coding change: c.805A>G on transcript NM_000142.5 (MANE Select); coding-DNA position 805, A replaced by G.
Protein change: p.Ser269Gly; replaces serine 269 with glycine.
Molecular consequence: missense variant. On other transcripts: non-coding transcript variant (1).
Genome position (GRCh38, 1-based): chr4:1,801,900, A>G. VCF-style: chr4-1801900-A-G. GRCh37 (hg19) VCF-style: chr4-1803627-A-G.
Other names: c.805A>G, p.Ser269Gly (NM_001163213.2, NM_001354809.2, NM_001354810.2 and 1 more transcripts); short protein forms S269G.
Identifiers: ClinVar variation 3019703 (VCV003019703.4), dbSNP rs1241508464, ClinGen allele CA355976248.
Genomic context (GRCh38, chr4:1,801,900, plus strand): 5'-TCCCCGCACCGGCCCATCCTGCAGGCGGGGCTGCCGGCCAACCAGACGGCGGTGCTGGGC[A>G]GCGACGTGGAGTTCCACTGCAAGGTGTACAGTGACGCACAGCCCCACATCCAGTGGCTCA-3'
Protein context (NP_000133.1, residues 259-279): LPANQTAVLG[Ser269Gly]DVEFHCKVYS

ClinVar aggregate classification (germline): Uncertain significance. Review status: criteria provided, multiple submitters, no conflicts (2 of 4 stars). 2 submissions from 2 submitters: Uncertain significance (2). Last evaluated 2024-07-23.

Allele frequency attached by ClinVar (database versions not stated): gnomAD exomes below 0.00001; TOPMed below 0.00001.
gnomAD v4.1: 1 of 1,611,954 alleles (0.000062%); highest among the groups gnomAD compares: Non-Finnish European, 0.000085%; no homozygotes.

Submissions (2):

GeneDx
Classification: Uncertain significance. Last evaluated: 2024-07-23. Review status: criteria provided, single submitter. Criteria: GeneDx Variant Classification Process June 2021. Collection method: clinical testing. Allele origin: germline. Affected: yes.
Comment: Not observed in large population cohorts (gnomAD); In silico analysis, which includes protein predictors and evolutionary conservation, supports that this variant does not alter protein structure/function; Has not been previously published as pathogenic or benign to our knowledge

Labcorp Genetics (formerly Invitae), Labcorp
Classification: Uncertain significance. Last evaluated: 2023-08-08. Review status: criteria provided, single submitter. Criteria: Invitae Variant Classification Sherloc (09022015). Collection method: clinical testing. Allele origin: germline.
Comment: This sequence change replaces serine, which is neutral and polar, with glycine, which is neutral and non-polar, at codon 269 of the FGFR3 protein (p.Ser269Gly). This variant is not present in population databases (gnomAD no frequency). In summary, the available evidence is currently insufficient to determine the role of this variant in disease. Therefore, it has been classified as a Variant of Uncertain Significance. Advanced modeling of protein sequence and biophysical properties (such as structural, functional, and spatial information, amino acid conservation, physicochemical variation, residue mobility, and thermodynamic stability) has been performed at Invitae for this missense variant, however the output from this modeling did not meet the statistical confidence thresholds required to predict the impact of this variant on FGFR3 protein function. This variant has not been reported in the literature in individuals affected with FGFR3-related conditions.